The following is an entry in ClinVar:

ClinVar aggregate classification (germline): Uncertain significance. Review status: criteria provided, single submitter (1 of 4 stars). 2 submissions from 2 submitters: Uncertain significance (1). 1 of the submissions does not count toward it. Last evaluated 2024-10-28.

Conditions:
Charcot-Marie-Tooth disease. Also called: Charcot-Marie-Tooth Hereditary Neuropathy; Charcot-Marie-Tooth Neuropathy. Identifiers: Orphanet 166, MedGen C0007959, MONDO:0015626.
Charcot-Marie-Tooth Neuropathy X. Identifiers: MedGen CN118851.

Submissions (2):

Labcorp Genetics (formerly Invitae), Labcorp
Classification: Uncertain significance for Charcot-Marie-Tooth Neuropathy X. Last evaluated: 2024-10-28. Review status: criteria provided, single submitter. Criteria: Invitae Variant Classification Sherloc (09022015). Collection method: clinical testing. Allele origin: germline.
Comment: This sequence change replaces valine, which is neutral and non-polar, with phenylalanine, which is neutral and non-polar, at codon 170 of the GJB1 protein (p.Val170Phe). This variant is not present in population databases (gnomAD no frequency). This missense change has been observed in individual(s) with clinical features of GJB1-related conditions (PMID: 24768312). ClinVar contains an entry for this variant (Variation ID: 637610). Invitae Evidence Modeling of protein sequence and biophysical properties (such as structural, functional, and spatial information, amino acid conservation, physicochemical variation, residue mobility, and thermodynamic stability) has been performed for this missense variant. However, the output from this modeling did not meet the statistical confidence thresholds required to predict the impact of this variant on GJB1 protein function. In summary, the available evidence is currently insufficient to determine the role of this variant in disease. Therefore, it has been classified as a Variant of Uncertain Significance.

Inherited Neuropathy Consortium
Classification: Uncertain significance for Charcot-Marie-Tooth disease. Review status: no assertion criteria provided. Collection method: literature only. Allele origin: germline. Affected: yes. Not counted in ClinVar's aggregate classification.

Literature cited by the submitters: PubMed 24768312 (cited by Labcorp Genetics (formerly Invitae), Labcorp and Inherited Neuropathy Consortium).

NM_000166.6(GJB1):c.508G>T (p.Val170Phe)

Gene: GJB1 (gap junction protein beta 1; plus strand). Cytogenetic location: Xq13.1.
Variant type: single nucleotide variant.
Coding change: c.508G>T on transcript NM_000166.6 (MANE Select); coding-DNA position 508, G replaced by T.
Protein change: p.Val170Phe; replaces valine 170 with phenylalanine.
Molecular consequence: missense variant.
Genome position (GRCh38, 1-based): chrX:71,224,215, G>T. VCF-style: chrX-71224215-G-T. GRCh37 (hg19) VCF-style: chrX-70444065-G-T.
Other names: c.508G>T, p.Val170Phe (NM_001097642.3); short protein forms V170F.
Identifiers: ClinVar variation 637610 (VCV000637610.5), dbSNP rs748095370, ClinGen allele CA413502868.